The following is an entry in ClinVar:

ClinVar aggregate classification (germline): Uncertain significance (1 of 4 stars; one submission).

Conditions:
Chédiak-Higashi syndrome (CHS). Also called: Chediak-Higashi Syndrome. Identifiers: Orphanet 167, MedGen C0007965, MONDO:0008963, OMIM 214500.

Allele frequency attached by ClinVar (database versions not stated): TOPMed below 0.00001; ExAC 0.00004.
gnomAD v4.1: 8 of 1,570,982 alleles (0.00051%); highest among the groups gnomAD compares: South Asian, 0.0078%; no homozygotes.

Submission:

Labcorp Genetics (formerly Invitae), Labcorp
Classification: Uncertain significance for Chédiak-Higashi syndrome. Last evaluated: 2022-08-31. Review status: criteria provided, single submitter. Criteria: Invitae Variant Classification Sherloc (09022015). Collection method: clinical testing. Allele origin: germline.
Comment: This sequence change replaces glutamine, which is neutral and polar, with histidine, which is basic and polar, at codon 1335 of the LYST protein (p.Gln1335His). This variant is present in population databases (rs762965409, gnomAD 0.02%). This variant has not been reported in the literature in individuals affected with LYST-related conditions. ClinVar contains an entry for this variant (Variation ID: 1016598). Algorithms developed to predict the effect of missense changes on protein structure and function are either unavailable or do not agree on the potential impact of this missense change (SIFT: "Tolerated"; PolyPhen-2: "Probably Damaging"; Align-GVGD: "Class C0"). In summary, the available evidence is currently insufficient to determine the role of this variant in disease. Therefore, it has been classified as a Variant of Uncertain Significance.

NM_000081.4(LYST):c.4005A>T (p.Gln1335His)

Gene: LYST (lysosomal trafficking regulator; minus strand). Cytogenetic location: 1q42.3.
Variant type: single nucleotide variant.
Coding change: c.4005A>T on transcript NM_000081.4 (MANE Select); coding-DNA position 4005, A replaced by T.
Protein change: p.Gln1335His; replaces glutamine 1335 with histidine.
Molecular consequence: missense variant.
Genome position (GRCh38, 1-based): chr1:235,800,321, T>A on the plus strand (A>T on the coding strand, the complement: LYST is on the minus strand). VCF-style: chr1-235800321-T-A. GRCh37 (hg19) VCF-style: chr1-235963621-T-A.
Other names: c.4005A>T, p.Gln1335His (NM_001301365.1); short protein forms Q1335H.
Identifiers: ClinVar variation 1016598 (VCV001016598.6), dbSNP rs762965409, ClinGen allele CA1466948.